The following is an entry in ClinVar:

ClinVar aggregate classification (germline): Uncertain significance (1 of 4 stars; one submission).

Allele frequency attached by ClinVar (database versions not stated): 1000 Genomes Project 30x 0.00016; TOPMed 0.00001; 1000 Genomes Project 0.00020; ExAC 0.00001.
gnomAD v4.1: 11 of 1,614,162 alleles (0.00068%); highest among the groups gnomAD compares: African/African-American, 0.0093%; no homozygotes.

Submission:

GeneDx
Classification: Uncertain significance. Last evaluated: 2019-05-10. Review status: criteria provided, single submitter. Criteria: GeneDx Variant Classification Process June 2021. Collection method: clinical testing. Allele origin: germline. Affected: yes.
Comment: Not observed at a significant frequency in large population cohorts; In silico analysis, which includes protein predictors and evolutionary conservation, supports that this variant does not alter protein structure/function; Has not been previously published as pathogenic or benign to our knowledge

NM_001291303.3(FAT4):c.11531C>T (p.Pro3844Leu)

Gene: FAT4 (FAT atypical cadherin 4; plus strand). Cytogenetic location: 4q28.1.
Variant type: single nucleotide variant.
Coding change: c.11531C>T on transcript NM_001291303.3 (MANE Select); coding-DNA position 11531, C replaced by T.
Protein change: p.Pro3844Leu; replaces proline 3844 with leucine.
Molecular consequence: missense variant.
Genome position (GRCh38, 1-based): chr4:125,452,541, C>T. VCF-style: chr4-125452541-C-T. GRCh37 (hg19) VCF-style: chr4-126373696-C-T.
Other names: c.11531C>T, p.Pro3844Leu (NM_001291285.3); c.11525C>T, p.Pro3842Leu (NM_024582.6); short protein forms P3842L, P3844L.
Identifiers: ClinVar variation 1302612 (VCV001302612.2), dbSNP rs142291617, ClinGen allele CA3073873.